The following is an entry in ClinVar:

ClinVar aggregate classification (germline): Benign/Likely benign. Review status: criteria provided, multiple submitters, no conflicts (2 of 4 stars). 2 submissions from 2 submitters: Benign (1); Likely benign (1). Last evaluated 2026-07-01.

Allele frequency attached by ClinVar (database versions not stated): gnomAD 0.00019; TOPMed 0.00021; ExAC 0.00047; gnomAD exomes 0.00063.

Submissions (2):

CeGaT Center for Human Genetics Tuebingen
Classification: Likely benign. Last evaluated: 2026-07-01. Review status: criteria provided, single submitter. Criteria: CeGaT Center For Human Genetics Tuebingen Variant Classification Criteria Version 2. Collection method: clinical testing. Allele origin: germline. Affected: yes. Observed: 1 variant allele.
Comment: AIMP2: BP4, BP7

Labcorp Genetics (formerly Invitae), Labcorp
Classification: Benign. Last evaluated: 2026-01-07. Review status: criteria provided, single submitter. Criteria: Invitae Variant Classification Sherloc (09022015). Collection method: clinical testing. Allele origin: germline.

NM_006303.4(AIMP2):c.213T>A (p.Ala71=)

Gene: AIMP2 (aminoacyl tRNA synthetase complex interacting multifunctional protein 2; plus strand). Cytogenetic location: 7p22.1.
Variant type: single nucleotide variant.
Coding change: c.213T>A on transcript NM_006303.4 (MANE Select); coding-DNA position 213, T replaced by A.
Protein change: p.Ala71=; no amino-acid change (alanine 71 retained).
Molecular consequence: synonymous variant. On other transcripts: 5 prime UTR variant (3), intron variant (1).
Genome position (GRCh38, 1-based): chr7:6,015,223, T>A. VCF-style: chr7-6015223-T-A. GRCh37 (hg19) VCF-style: chr7-6054854-T-A.
Other names: c.93T>A, p.Ala31= (NM_001326606.2); c.-22T>A (NM_001326609.2, NM_001326610.2, NM_001326611.3); c.126T>A, p.Ala42= (NM_001362785.2); c.81T>A, p.Ala27= (NM_001362787.2); c.136-2591T>A (NM_001326607.2).
Identifiers: ClinVar variation 709086 (VCV000709086.8), dbSNP rs776388344, ClinGen allele CA4150267.
Genomic context (GRCh38, chr7:6,015,223, plus strand): 5'-TCTGCAAGCTCTTGAGTCCCGCCAAGATGATATTTTAAAACGTCTGTATGAGTTGAAAGC[T>A]GCAGTTGATGGCCTCTCCAAGATGATTCAAACACCAGATGCAGACTTGGATGTAACCAAC-3'
Protein context (NP_006294.2, residues 61-81): DILKRLYELK[Ala71=]AVDGLSKMIQ